The following is an entry in ClinVar:

ClinVar aggregate classification (germline): Benign/Likely benign. Review status: criteria provided, multiple submitters, no conflicts (2 of 4 stars). 5 submissions from 4 submitters: Benign (2); Likely benign (3). Last evaluated 2025-08-11.

Conditions:
Perry syndrome. Also called: PARKINSONISM WITH ALVEOLAR HYPOVENTILATION AND MENTAL DEPRESSION. Identifiers: Orphanet 178509, MedGen C1868594, MONDO:0008201, OMIM 168605.
Neuronopathy, distal hereditary motor, type 7B. Also called: HMN VIIB; LOWER MOTOR NEURON DISEASE, DYNACTIN TYPE; NEURONOPATHY, DISTAL HEREDITARY MOTOR, AUTOSOMAL DOMINANT 14; NEURONOPATHY, DISTAL HEREDITARY MOTOR, HARDING TYPE VIIB; NEUROPATHY, DISTAL HEREDITARY MOTOR, HARDING TYPE VIIB; NEUROPATHY, DISTAL HEREDITARY MOTOR, WITH VOCAL CORD PARALYSIS, HARDING TYPE VIIB. Identifiers: Orphanet 139589, MedGen C1843315, MONDO:0011879, OMIM 607641.
Amyotrophic lateral sclerosis type 1 (ALS1). Also called: AMYOTROPHIC LATERAL SCLEROSIS 1, FAMILIAL. Identifiers: Orphanet 803, MedGen C1862939, MONDO:0007103, OMIM 105400.
Inborn genetic diseases. Identifiers: MedGen C0950123, MeSH D030342.

Allele frequency attached by ClinVar (database versions not stated): gnomAD below 0.00001 and 0.00001; ExAC 0.00008; gnomAD exomes 0.00009.
gnomAD v4.1: 55 of 1,613,874 alleles (0.0034%); highest among the groups gnomAD compares: South Asian, 0.058%; no homozygotes.

Submissions (5):

Athena Diagnostics
Classification: Likely benign. Last evaluated: 2025-08-11. Review status: criteria provided, single submitter. Criteria: Athena Diagnostics Criteria. Collection method: clinical testing. Allele origin: unknown.
Comment: The frequency of this variant in the general population is higher than would generally be expected for pathogenic variants in this gene.

Labcorp Genetics (formerly Invitae), Labcorp
Classification: Likely benign for Amyotrophic lateral sclerosis type 1; Neuronopathy, distal hereditary motor, type 7B; Perry syndrome. Last evaluated: 2025-08-11. Review status: criteria provided, single submitter. Criteria: Invitae Variant Classification Sherloc (09022015). Collection method: clinical testing. Allele origin: germline.

Ambry Genetics
Classification: Likely benign for Inborn genetic diseases. Last evaluated: 2022-08-17. Review status: criteria provided, single submitter. Criteria: Ambry Variant Classification Scheme 2023. Collection method: clinical testing. Allele origin: germline.

Illumina Laboratory Services, Illumina
Classification: Benign for Neuronopathy, distal hereditary motor, type 7B. Last evaluated: 2018-01-12. Review status: criteria provided, single submitter. Criteria: ICSL Variant Classification Criteria 13 December 2019. Collection method: clinical testing. Allele origin: germline.
Comment: This variant was observed in the ICSL laboratory as part of a predisposition screen in an ostensibly healthy population. It had not been previously curated by ICSL or reported in the Human Gene Mutation Database (HGMD: prior to June 1st, 2018), and was therefore a candidate for classification through an automated scoring system. Utilizing variant allele frequency, disease prevalence and penetrance estimates, and inheritance mode, an automated score was calculated to assess if this variant is too frequent to cause the disease. Based on the score and internal cut-off values, a variant classified as benign is not then subjected to further curation. The score for this variant resulted in a classification of benign for this disease.

Illumina Laboratory Services, Illumina
Classification: Benign for Perry syndrome. Last evaluated: 2018-01-12. Review status: criteria provided, single submitter. Criteria: ICSL Variant Classification Criteria 13 December 2019. Collection method: clinical testing. Allele origin: germline.
Comment: the same text as in the submission from Illumina Laboratory Services, Illumina above.

NM_004082.5(DCTN1):c.1129A>C (p.Met377Leu)

Gene: DCTN1 (dynactin subunit 1; minus strand). Cytogenetic location: 2p13.1.
Variant type: single nucleotide variant.
Coding change: c.1129A>C on transcript NM_004082.5 (MANE Select); coding-DNA position 1129, A replaced by C.
Protein change: p.Met377Leu; replaces methionine 377 with leucine.
Molecular consequence: missense variant. On other transcripts: non-coding transcript variant (1).
Genome position (GRCh38, 1-based): chr2:74,370,344, T>G on the plus strand (A>C on the coding strand, the complement: DCTN1 is on the minus strand). VCF-style: chr2-74370344-T-G. GRCh37 (hg19) VCF-style: chr2-74597471-T-G.
Other names: c.1069A>C, p.Met357Leu (NM_001135040.3); c.727A>C, p.Met243Leu (NM_001135041.3, NM_023019.4); c.1018A>C, p.Met340Leu (NM_001190836.2); c.1108A>C, p.Met370Leu (NM_001190837.2); c.1078A>C, p.Met360Leu (NM_001378991.1); c.1060A>C, p.Met354Leu (NM_001378992.1); short protein forms M243L, M340L, M377L, M370L, M357L, M354L, M360L.
Identifiers: ClinVar variation 337090 (VCV000337090.16), dbSNP rs570863800, ClinGen allele CA1722228.